The following is an entry in ClinVar:

NM_004260.4(RECQL4):c.1027C>G (p.Pro343Ala)

Gene: RECQL4 (RecQ like helicase 4; minus strand). Cytogenetic location: 8q24.3.
Variant type: single nucleotide variant.
Coding change: c.1027C>G on transcript NM_004260.4 (MANE Select); coding-DNA position 1027, C replaced by G.
Protein change: p.Pro343Ala; replaces proline 343 with alanine.
Molecular consequence: missense variant. On other transcripts: 5 prime UTR variant (16), non-coding transcript variant (3), intron variant (3).
Genome position (GRCh38, 1-based): chr8:144,516,092, G>C on the plus strand (C>G on the coding strand, the complement: RECQL4 is on the minus strand). VCF-style: chr8-144516092-G-C. GRCh37 (hg19) VCF-style: chr8-145741476-G-C.
Other names: c.1027C>G, p.Pro343Ala (NM_001413036.1, NM_001413039.1, NM_001413018.1 and 2 more transcripts); c.-45C>G (NM_001413037.1, NM_001413038.1, NM_001413040.1 and 7 more transcripts); c.-107C>G (NM_001413041.1, NM_001413027.1, NM_001413030.1 and 2 more transcripts); c.-314C>G (NM_001413043.1); c.954-23C>G (NM_001413017.1, NM_001413020.1); c.898C>G, p.Pro300Ala (NM_001413025.1); c.676C>G, p.Pro226Ala (NM_001413029.1); c.-22-23C>G (NM_001413034.1); short protein forms P300A, P226A, P343A.
Identifiers: ClinVar variation 4844343 (VCV004844343.1).

ClinVar aggregate classification (germline): Uncertain significance (1 of 4 stars; one submission).

Conditions:
Inborn genetic diseases. Identifiers: MedGen C0950123, MeSH D030342.

Submission:

Ambry Genetics
Classification: Uncertain significance for Inborn genetic diseases. Last evaluated: 2026-01-17. Review status: criteria provided, single submitter. Criteria: Ambry Variant Classification Scheme 2023. Collection method: clinical testing. Allele origin: germline.
Comment: The p.P343A variant (also known as c.1027C>G), located in coding exon 5 of the RECQL4 gene, results from a C to G substitution at nucleotide position 1027. The proline at codon 343 is replaced by alanine, an amino acid with highly similar properties. This amino acid position is conserved. In addition, this alteration is predicted to be tolerated by in silico analysis. Based on the available evidence, the clinical significance of this variant remains unclear.